The following is an entry in ClinVar:

ClinVar aggregate classification (germline): Uncertain significance (1 of 4 stars; one submission).

Conditions:
Intellectual developmental disorder, autosomal dominant 52. Also called: Intellectual disability, autosomal dominant 52; Mental retardation, autosomal dominant 52. Identifiers: MedGen C4540478, MONDO:0030918, OMIM 617796.

Submission:

Juno Genomics, Hangzhou Juno Genomics, Inc
Classification: Uncertain significance for Intellectual developmental disorder, autosomal dominant 52. Review status: criteria provided, single submitter. Criteria: ACMG Guidelines, 2015. Collection method: clinical testing. Allele origin: germline.
Comment: Absent from controls (or at extremely low frequency if recessive) in Genome Aggregation Database.;Multiple lines of computational evidence support a deleterious effect on the gene or gene product.;Missense variant in a gene that has a low rate of benign missense variation.

NM_018489.3(ASH1L):c.3967A>G (p.Asn1323Asp)

Gene: ASH1L (ASH1 like histone lysine methyltransferase; minus strand). Cytogenetic location: 1q22.
Variant type: single nucleotide variant.
Coding change: c.3967A>G on transcript NM_018489.3 (MANE Select); coding-DNA position 3967, A replaced by G.
Protein change: p.Asn1323Asp; replaces asparagine 1323 with aspartic acid.
Molecular consequence: missense variant.
Genome position (GRCh38, 1-based): chr1:155,478,903, T>C on the plus strand (A>G on the coding strand, the complement: ASH1L is on the minus strand). VCF-style: chr1-155478903-T-C. GRCh37 (hg19) VCF-style: chr1-155448694-T-C.
Other names: c.3967A>G, p.Asn1323Asp (NM_001366177.2); short protein forms N1323D.
Identifiers: ClinVar variation 5019619 (VCV005019619.2).